The following is an entry in ClinVar:

NM_002029.4(FPR1):c.730T>C (p.Ser244Pro)

Gene: FPR1 (formyl peptide receptor 1; minus strand). Cytogenetic location: 19q13.41.
Variant type: single nucleotide variant.
Coding change: c.730T>C on transcript NM_002029.4 (MANE Select); coding-DNA position 730, T replaced by C.
Protein change: p.Ser244Pro; replaces serine 244 with proline.
Molecular consequence: missense variant.
Genome position (GRCh38, 1-based): chr19:51,746,265, A>G on the plus strand (T>C on the coding strand, the complement: FPR1 is on the minus strand). VCF-style: chr19-51746265-A-G. GRCh37 (hg19) VCF-style: chr19-52249518-A-G.
Other names: c.730T>C, p.Ser244Pro (NM_001193306.2); short protein forms S244P.
Identifiers: ClinVar variation 3643940 (VCV003643940.2).
Genomic context (GRCh38, chr19:51,746,265, plus strand): 5'-CTATAAGGGCCACCACCTGATATGGGGACCAGCAGAGAAAAAAGGCTGCTGCGACAAAGG[A>G]GAGGACCCGTAAGGGACGACTGGACTTAATCAAGCCTTGCTTGTGGATCTTGGTGGCAAT-3'
Protein context (NP_002020.1, residues 234-254): IKSSRPLRVL[Ser244Pro]FVAAAFFLCW

ClinVar aggregate classification (germline): Uncertain significance (1 of 4 stars; one submission).

Conditions:
Gingival disorder. Also called: Gingival disease. Identifiers: MedGen C0017563, MONDO:0002021.

Submission:

Labcorp Genetics (formerly Invitae), Labcorp
Classification: Uncertain significance for Gingival disorder. Last evaluated: 2024-05-04. Review status: criteria provided, single submitter. Criteria: Invitae Variant Classification Sherloc (09022015). Collection method: clinical testing. Allele origin: germline.
Comment: This sequence change replaces serine, which is neutral and polar, with proline, which is neutral and non-polar, at codon 244 of the FPR1 protein (p.Ser244Pro). This variant is not present in population databases (gnomAD no frequency). This variant has not been reported in the literature in individuals affected with FPR1-related conditions. An algorithm developed to predict the effect of missense changes on protein structure and function (PolyPhen-2) suggests that this variant is likely to be tolerated. In summary, the available evidence is currently insufficient to determine the role of this variant in disease. Therefore, it has been classified as a Variant of Uncertain Significance.